The following is an entry in ClinVar:

NM_000295.5(SERPINA1):c.1020T>C (p.Ala340=)

Gene: SERPINA1 (serpin family A member 1; minus strand). Cytogenetic location: 14q32.13.
Variant type: single nucleotide variant.
Coding change: c.1020T>C on transcript NM_000295.5 (MANE Select); coding-DNA position 1020, T replaced by C.
Protein change: p.Ala340=; no amino-acid change (alanine 340 retained).
Molecular consequence: synonymous variant.
Genome position (GRCh38, 1-based): chr14:94,379,509, A>G on the plus strand (T>C on the coding strand, the complement: SERPINA1 is on the minus strand). VCF-style: chr14-94379509-A-G. GRCh37 (hg19) VCF-style: chr14-94845846-A-G.
Other names: c.1020T>C, p.Ala340= (NM_001002235.3, NM_001002236.3, NM_001127700.2 and 7 more transcripts).
Identifiers: ClinVar variation 3060405 (VCV003060405.2), dbSNP rs796723983, ClinGen allele CA265860973.
Genomic context (GRCh38, chr14:94,379,509, plus strand): 5'-TCAGGGTGATCTCACCTTGGAGAGCTTCAGGGGTGCCTCCTCTGTGACCCCGGAGAGGTC[A>G]GCCCCATTGCTGAAGACCTTAGTGATGCCCAGTTGACCCAGGACGCTCTTCAGATCATAG-3'
Protein context (NP_000286.3, residues 330-350): LGITKVFSNG[Ala340=]DLSGVTEEAP

ClinVar aggregate classification (germline): Likely benign (0 of 4 stars; one submission).

Conditions:
SERPINA1-related disorder. Also called: SerpinA1-related disorders; SERPINA1-related condition.

Submission:

PreventionGenetics, part of Exact Sciences
Classification: Likely benign for SERPINA1-related condition. Last evaluated: 2021-02-09. Review status: no assertion criteria provided. Collection method: clinical testing. Allele origin: germline.
Comment: This variant is classified as likely benign based on ACMG/AMP sequence variant interpretation guidelines (Richards et al. 2015 PMID: 25741868, with internal and published modifications).